The following is an entry in ClinVar:

NM_004996.4(ABCC1):c.2598G>C (p.Leu866=)

Gene: ABCC1 (ATP binding cassette subfamily C member 1 (ABCC1 blood group); plus strand). Cytogenetic location: 16p13.11.
Variant type: single nucleotide variant.
Coding change: c.2598G>C on transcript NM_004996.4 (MANE Select); coding-DNA position 2598, G replaced by C.
Protein change: p.Leu866=; no amino-acid change (leucine 866 retained).
Molecular consequence: synonymous variant.
Genome position (GRCh38, 1-based): chr16:16,090,542, G>C. VCF-style: chr16-16090542-G-C. GRCh37 (hg19) VCF-style: chr16-16184399-G-C.
Other names: c.2421G>C, p.Leu807= (NM_019862.3).
Identifiers: ClinVar variation 2646256 (VCV002646256.24), dbSNP rs2510182718, ClinGen allele CA493794993.

ClinVar aggregate classification (germline): Likely benign (1 of 4 stars; one submission).

Allele frequency attached by ClinVar (database versions not stated): gnomAD exomes below 0.00001.
gnomAD v4.1: 1 of 1,613,536 alleles (0.000062%); highest among the groups gnomAD compares: Non-Finnish European, 0.000085%; no homozygotes.

Submission:

CeGaT Center for Human Genetics Tuebingen
Classification: Likely benign. Last evaluated: 2022-03-01. Review status: criteria provided, single submitter. Criteria: CeGaT Center For Human Genetics Tuebingen Variant Classification Criteria Version 2. Collection method: clinical testing. Allele origin: germline. Affected: yes. Observed: 1 variant allele.
Comment: ABCC1: BP4, BP7